The following is an entry in ClinVar:

NM_000016.6(ACADM):c.119-20T>C

Gene: ACADM (acyl-CoA dehydrogenase medium chain; plus strand). Cytogenetic location: 1p31.1.
Variant type: single nucleotide variant.
Coding change: c.119-20T>C on transcript NM_000016.6 (MANE Select); 20 bases into the intron before coding-DNA position 119, T replaced by C.
Molecular consequence: intron variant.
Genome position (GRCh38, 1-based): chr1:75,732,624, T>C. VCF-style: chr1-75732624-T-C. GRCh37 (hg19) VCF-style: chr1-76198309-T-C.
Other names: p.?; c.131-20T>C (NM_001127328.3); c.119-20T>C (NM_001286043.2); c.11-20T>C (NM_001286042.2); c.-267-20T>C (NM_001286044.2).
Identifiers: ClinVar variation 92256 (VCV000092256.26), dbSNP rs74090724, ClinGen allele CA285285.
Genomic context (GRCh38, chr1:75,732,624, plus strand): 5'-TACACATTTCTACATACTGACTTCATAGGACATTTTTCCTTGTTATCCAGTTTTAACTTT[T>C]CTAAATAATTTTCCCTTAGAGTTCACCGAACAGCAGAAAGAATTTCAAGCTACTGCTCGT-3'

ClinVar aggregate classification (germline): Benign. Review status: criteria provided, multiple submitters, no conflicts (2 of 4 stars). 8 submissions from 8 submitters: Benign (7). 1 of the submissions does not count toward it. Last evaluated 2026-02-04.

Conditions:
Medium-chain acyl-coenzyme A dehydrogenase deficiency (ACADMD). Also called: CARNITINE DEFICIENCY SECONDARY TO MEDIUM-CHAIN ACYL-CoA DEHYDROGENASE DEFICIENCY; MCAD Deficiency; MCADD; Medium chain acyl-CoA dehydrogenase deficiency; MCADH DEFICIENCY; ACADM DEFICIENCY. Identifiers: Orphanet 42, MedGen C0220710, MONDO:0008721, OMIM 201450.

Allele frequency attached by ClinVar (database versions not stated): gnomAD exomes 0.02675 and 0.02917; ExAC 0.02773; 1000 Genomes Project 0.04014; 1000 Genomes Project 30x 0.04247; gnomAD 0.04937 and 0.05208; TOPMed 0.05269; ESP Exome Variant Server 0.05357.
gnomAD v4.1: 49,446 of 1,591,448 alleles (3.1%); highest among the groups gnomAD compares: African/African-American, 11%; 1,115 homozygotes.

Submissions (8):

Labcorp Genetics (formerly Invitae), Labcorp
Classification: Benign for Medium-chain acyl-coenzyme A dehydrogenase deficiency. Last evaluated: 2026-02-04. Review status: criteria provided, single submitter. Criteria: Invitae Variant Classification Sherloc (09022015). Collection method: clinical testing. Allele origin: germline.

Mayo Clinic Laboratories, Mayo Clinic
Classification: Benign. Last evaluated: 2022-04-26. Review status: criteria provided, single submitter. Criteria: ACMG Guidelines, 2015. Collection method: clinical testing. Allele origin: germline. Observed: 10 variant alleles.

ARUP Laboratories, Molecular Genetics and Genomics, ARUP Laboratories
Classification: Benign for Medium-chain acyl-coenzyme A dehydrogenase deficiency. Last evaluated: 2020-11-05. Review status: criteria provided, single submitter. Criteria: ARUP Molecular Germline Variant Investigation Process 2021. Collection method: clinical testing. Allele origin: germline.

GeneDx
Classification: Benign. Last evaluated: 2013-05-29. Review status: criteria provided, single submitter. Criteria: GeneDx Variant Classification (06012015). Collection method: clinical testing. Allele origin: germline. Affected: yes.
Comment: This variant is considered likely benign or benign based on one or more of the following criteria: it is a conservative change, it occurs at a poorly conserved position in the protein, it is predicted to be benign by multiple in silico algorithms, and/or has population frequency not consistent with disease.

Eurofins Ntd Llc (ga)
Classification: Benign. Last evaluated: 2013-01-24. Review status: criteria provided, single submitter. Criteria: EGL Classification Definitions 2015. Collection method: clinical testing. Allele origin: germline. Observed: 7 variant alleles, 7 heterozygotes.

Breakthrough Genomics
Classification: Benign. Review status: criteria provided, single submitter. Criteria: ACMG Guidelines, 2015. Collection method: not provided. Allele origin: germline. Inheritance: Autosomal recessive inheritance. Affected: yes.

PreventionGenetics, part of Exact Sciences
Classification: Benign. Review status: criteria provided, single submitter. Criteria: ACMG Guidelines, 2015. Collection method: clinical testing. Allele origin: germline.

Natera, Inc.
Classification: Benign for Medium-chain acyl-coenzyme a dehydrogenase deficiency. Last evaluated: 2020-09-16. Review status: no assertion criteria provided. Collection method: clinical testing. Allele origin: germline. Not counted in ClinVar's aggregate classification.